The following is an entry in ClinVar:

NM_000883.4(IMPDH1):c.942G>C (p.Lys314Asn)

Gene: IMPDH1 (inosine monophosphate dehydrogenase 1; minus strand). Cytogenetic location: 7q32.1.
Variant type: single nucleotide variant.
Coding change: c.942G>C on transcript NM_000883.4 (MANE Select); coding-DNA position 942, G replaced by C.
Protein change: p.Lys314Asn; replaces lysine 314 with asparagine.
Molecular consequence: missense variant.
Genome position (GRCh38, 1-based): chr7:128,398,546, C>G on the plus strand (G>C on the coding strand, the complement: IMPDH1 is on the minus strand). VCF-style: chr7-128398546-C-G. GRCh37 (hg19) VCF-style: chr7-128038600-C-G.
Other names: c.912G>C, p.Lys304Asn (NM_001102605.2); c.687G>C, p.Lys229Asn (NM_001142573.2); c.672G>C, p.Lys224Asn (NM_001142574.2); c.612G>C, p.Lys204Asn (NM_001142575.2); c.843G>C, p.Lys281Asn (NM_001142576.2); c.735G>C, p.Lys245Asn (NM_001304521.2); c.834G>C, p.Lys278Asn (NM_183243.3); short protein forms K204N, K224N, K229N, K245N, K278N, K281N, K304N, K314N.
Identifiers: ClinVar variation 1810221 (VCV001810221.3), dbSNP rs1798090540, ClinGen allele CA369169283.
Genomic context (GRCh38, chr7:128,398,546, plus strand): 5'-AGCTGCCCCACAGAGCAGCTGCTTCTGGGAATCCTTGGAGGCCAGAGGGTAGTCTCGGTT[C>G]TTCTTCAGGTCGGTGCGGGCGATGATGGCCACCAGCTCATCGCAATCATTGACGATAGGC-3'
Protein context (NP_000874.2, residues 304-324): VAIIARTDLK[Lys314Asn]NRDYPLASKD

ClinVar aggregate classification (germline): Pathogenic/Likely pathogenic. Review status: criteria provided, multiple submitters, no conflicts (2 of 4 stars). 2 submissions from 2 submitters: Pathogenic (1); Likely pathogenic (1). Last evaluated 2024-10-04.

Conditions:
Retinitis pigmentosa 10 (RP10). Identifiers: Orphanet 791, MedGen C1867299, MONDO:0008379, OMIM 180105.
IMPDH1-related disorder. Also called: IMPDH1-related condition; IMPDH1-related disorders.

Submissions (2):

Dubai Health Genomic Medicine Center, Dubai Health
Classification: Pathogenic for Retinitis pigmentosa 10. Last evaluated: 2024-10-04. Review status: criteria provided, single submitter. Criteria: ACMG Guidelines, 2015. Collection method: research. Allele origin: germline. Affected: yes.
Comment: PM2,PS2,PM5,PP4,PP3

Blueprint Genetics
Classification: Likely pathogenic for IMPDH1-related disorders. Last evaluated: 2019-08-13. Review status: criteria provided, single submitter. Criteria: ACMG Guidelines, 2015. Collection method: clinical testing. Allele origin: germline. Affected: yes. Observed: 1 variant allele.